The following is an entry in ClinVar:

NM_001287.6(CLCN7):c.*627A>G

Gene: CLCN7 (chloride voltage-gated channel 7; minus strand). Cytogenetic location: 16p13.3.
Variant type: single nucleotide variant.
Coding change: c.*627A>G on transcript NM_001287.6 (MANE Select); 627 bases downstream of the stop codon, A replaced by G.
Molecular consequence: 3 prime UTR variant.
Genome position (GRCh38, 1-based): chr16:1,446,004, T>C on the plus strand (A>G on the coding strand, the complement: CLCN7 is on the minus strand). VCF-style: chr16-1446004-T-C. GRCh37 (hg19) VCF-style: chr16-1496005-T-C.
Other names: c.*627A>G (NM_001114331.3).
Identifiers: ClinVar variation 317928 (VCV000317928.6), dbSNP rs10903009, ClinGen allele CA10637117.
Genomic context (GRCh38, chr16:1,446,004, plus strand): 5'-TTTTTCTCAGCTCTCAACATCACAGCACAGGGCCCGTGAGTCACCCCAGTCCTCTGGGCC[T>C]GTGTACCCAAGCCGGATGCAGGCCGGGGAGTGCACGTGGGGCTCCTCTGTGGCGCCAGTG-3'

ClinVar aggregate classification (germline): Benign. Review status: criteria provided, multiple submitters, no conflicts (2 of 4 stars). 2 submissions from 2 submitters: Benign (2). Last evaluated 2018-01-12.

Conditions:
Osteopetrosis. Identifiers: Orphanet 2781, MedGen C0029454, MONDO:0017198, HP:0011002.

Allele frequency attached by ClinVar (database versions not stated): TOPMed 0.12589; gnomAD 0.11753 and 0.12292; gnomAD exomes 0.08426; 1000 Genomes Project 0.08946; 1000 Genomes Project 30x 0.09338.

Submissions (2):

Illumina Laboratory Services, Illumina
Classification: Benign for Osteopetrosis. Last evaluated: 2018-01-12. Review status: criteria provided, single submitter. Criteria: ICSL Variant Classification Criteria 13 December 2019. Collection method: clinical testing. Allele origin: germline.
Comment: This variant was observed in the ICSL laboratory as part of a predisposition screen in an ostensibly healthy population. It had not been previously curated by ICSL or reported in the Human Gene Mutation Database (HGMD: prior to June 1st, 2018), and was therefore a candidate for classification through an automated scoring system. Utilizing variant allele frequency, disease prevalence and penetrance estimates, and inheritance mode, an automated score was calculated to assess if this variant is too frequent to cause the disease. Based on the score and internal cut-off values, a variant classified as benign is not then subjected to further curation. The score for this variant resulted in a classification of benign for this disease.

Breakthrough Genomics
Classification: Benign. Review status: criteria provided, single submitter. Criteria: ACMG Guidelines, 2015. Collection method: not provided. Allele origin: germline. Inheritance: Autosomal recessive inheritance. Affected: yes.